The following is an entry in ClinVar:

ClinVar aggregate classification (germline): Likely benign (1 of 4 stars; one submission).

Allele frequency attached by ClinVar (database versions not stated): ESP Exome Variant Server 0.00015; 1000 Genomes Project 30x 0.00016; 1000 Genomes Project 0.00020; gnomAD 0.00023; TOPMed 0.00023; gnomAD exomes 0.00047; ExAC 0.00060.
gnomAD v4.1: 737 of 1,613,696 alleles (0.046%); highest among the groups gnomAD compares: Middle Eastern, 0.51%; 2 homozygotes.

Submission:

CeGaT Center for Human Genetics Tuebingen
Classification: Likely benign. Last evaluated: 2025-01-01. Review status: criteria provided, single submitter. Criteria: CeGaT Center For Human Genetics Tuebingen Variant Classification Criteria Version 2. Collection method: clinical testing. Allele origin: germline. Affected: yes. Observed: 3 variant alleles.
Comment: RIC1: BP4, BP7

NM_020829.4(RIC1):c.1251T>C (p.Ser417=)

Gene: RIC1 (RIC1 partner of RAB6A GEF complex; plus strand). Cytogenetic location: 9p24.1.
Variant type: single nucleotide variant.
Coding change: c.1251T>C on transcript NM_020829.4 (MANE Select); coding-DNA position 1251, T replaced by C.
Protein change: p.Ser417=; no amino-acid change (serine 417 retained).
Molecular consequence: synonymous variant.
Genome position (GRCh38, 1-based): chr9:5,747,304, T>C. VCF-style: chr9-5747304-T-C. GRCh37 (hg19) VCF-style: chr9-5747304-T-C.
Other names: c.1251T>C, p.Ser417= (NM_001135920.4, NM_001206557.2).
Identifiers: ClinVar variation 2659051 (VCV002659051.24), dbSNP rs201153081, ClinGen allele CA4974551.